The following is an entry in ClinVar:

Single allele

Genes: CLIC2 (CLIC family member 2; minus strand), F8A2 (coagulation factor VIII associated 2; plus strand), F8A3 (coagulation factor VIII associated 3; minus strand), H2AB2 (H2A.B variant histone 2; plus strand), H2AB3 (H2A.B variant histone 3; minus strand) and 10 more. Cytogenetic location: Xq28.
Variant type: Deletion.
Identifiers: ClinVar variation 4819213 (VCV004819213.1).

ClinVar aggregate classification (germline): Pathogenic (1 of 4 stars; one submission).

Conditions:
Intellectual developmental disorder, X-linked 72. Also called: Intellectual disability, X-linked 72. Identifiers: Orphanet 777, MedGen C1846038, MONDO:0010289, OMIM 300271.

Submission:

Broad Center for Mendelian Genomics, Broad Institute of MIT and Harvard
Classification: Pathogenic for Intellectual developmental disorder, X-linked 72. Last evaluated: 2023-05-01. Review status: criteria provided, single submitter. Criteria: ACMG/ClinGen CNV Guidelines, 2019. Collection method: research. Allele origin: germline. Inheritance: X-linked recessive inheritance. Affected: yes.
Comment: These breakpoints have been called by exome sequencing only and therefore may not reflect the true breakpoints. The patient phenotype is nonspecific, but is consistent with cases described in the literature and/or published databases with overlapping variants. There is partial overlap with the 5’ end of the RAB39B gene including coding sequence, which is known to be haploinsufficient, and has been assessed by the ClinGen Dosage Sensitivity Working Group. An overlapping deletion has been identified in 0.01% (2/16079) of chromosomes by the Genome Aggregation Database (gnomAD; Structural variant: DEL_X_190808). Although a deletion of genetic content similar to this CNV has been seen in gnomAD it is of note that it was seen only in females, who are presumed to be carriers. In summary, this variant meets criteria to be classified as pathogenic for X-linked intellectual developmental disorder. The ACMG/ClinGen evidence codes and points used in this curation are as follows: 1: 0 points, 2: 0.90 points, 3: 0 points, 4-5: 0.15 points; Total: 1.05 points; Riggs 2020 (PMID: 31690835).